The following is an entry in ClinVar:

ClinVar aggregate classification (germline): Uncertain significance (0 of 4 stars; one submission).

Conditions:
LAMA1-related disorder. Also called: LAMA1-related disorders; LAMA1-related condition.

gnomAD v4.1: 58 of 1,613,806 alleles (0.0036%); highest among the groups gnomAD compares: South Asian, 0.014%; 2 homozygotes.

Submission:

PreventionGenetics, part of Exact Sciences
Classification: Uncertain significance for LAMA1-related condition. Last evaluated: 2024-08-14. Review status: no assertion criteria provided. Collection method: clinical testing. Allele origin: germline.
Comment: The LAMA1 c.3398G>A variant is predicted to result in the amino acid substitution p.Arg1133Gln. To our knowledge, this variant has not been reported in the literature. This variant is reported in 0.016% of alleles in individuals of South Asian descent in gnomAD. At this time, the clinical significance of this variant is uncertain due to the absence of conclusive functional and genetic evidence.

NM_005559.4(LAMA1):c.3398G>A (p.Arg1133Gln)

Gene: LAMA1 (laminin subunit alpha 1; minus strand). Cytogenetic location: 18p11.31.
Variant type: single nucleotide variant.
Coding change: c.3398G>A on transcript NM_005559.4 (MANE Select); coding-DNA position 3398, G replaced by A.
Protein change: p.Arg1133Gln; replaces arginine 1133 with glutamine.
Molecular consequence: missense variant.
Genome position (GRCh38, 1-based): chr18:7,012,104, C>T on the plus strand (G>A on the coding strand, the complement: LAMA1 is on the minus strand). VCF-style: chr18-7012104-C-T. GRCh37 (hg19) VCF-style: chr18-7012103-C-T.
Other names: short protein forms R1133Q.
Identifiers: ClinVar variation 3358382 (VCV003358382.1).